The following is an entry in ClinVar:

ClinVar aggregate classification (germline): Uncertain significance (1 of 4 stars; one submission).

Conditions:
Hypertrophic cardiomyopathy. Also called: HYPERTROPHIC MYOCARDIOPATHY. Identifiers: Orphanet 217569, MedGen C0007194, MeSH D002312, MONDO:0005045, HP:0001639.

Submission:

Labcorp Genetics (formerly Invitae), Labcorp
Classification: Uncertain significance for Hypertrophic cardiomyopathy. Last evaluated: 2024-10-13. Review status: criteria provided, single submitter. Criteria: Invitae Variant Classification Sherloc (09022015). Collection method: clinical testing. Allele origin: germline.
Comment: This sequence change replaces threonine, which is neutral and polar, with serine, which is neutral and polar, at codon 262 of the MYBPC3 protein (p.Thr262Ser). Information on the frequency of this variant in the gnomAD database is not available, as this variant may be reported differently in the database. This variant has not been reported in the literature in individuals affected with MYBPC3-related conditions. An algorithm developed to predict the effect of missense changes on protein structure and function (PolyPhen-2) suggests that this variant is likely to be tolerated. In summary, the available evidence is currently insufficient to determine the role of this variant in disease. Therefore, it has been classified as a Variant of Uncertain Significance.

NM_000256.3(MYBPC3):c.785_786delinsGT (p.Thr262Ser)

Gene: MYBPC3 (myosin binding protein C3; minus strand). Cytogenetic location: 11p11.2.
Variant type: Indel.
Coding change: c.785_786delinsGT on transcript NM_000256.3 (MANE Select); coding-DNA positions 785 to 786, CC replaced by GT.
Protein change: p.Thr262Ser; replaces threonine 262 with serine.
Molecular consequence: missense variant.
Genome position (GRCh38, 1-based): chr11:47,347,892-47,347,893, GG replaced by AC on the plus strand (CC replaced by GT on the coding strand, the reverse complement: MYBPC3 is on the minus strand). VCF-style: chr11-47347892-GG-AC. GRCh37 (hg19) VCF-style: chr11-47369443-GG-AC.
Other names: short protein forms T262S.
Identifiers: ClinVar variation 3625210 (VCV003625210.2).